The following is an entry in ClinVar:

ClinVar aggregate classification (germline): Pathogenic (1 of 4 stars; one submission).

gnomAD v4.1: 20 of 1,614,252 alleles (0.0012%); highest among the groups gnomAD compares: Non-Finnish European, 0.0016%; no homozygotes.

Submission:

Labcorp Genetics (formerly Invitae), Labcorp
Classification: Pathogenic. Last evaluated: 2025-05-21. Review status: criteria provided, single submitter. Criteria: Invitae Variant Classification Sherloc (09022015). Collection method: clinical testing. Allele origin: germline.
Comment: This sequence change creates a premature translational stop signal (p.Trp252*) in the DEAF1 gene. It is expected to result in an absent or disrupted protein product. Loss-of-function variants in DEAF1 are known to be pathogenic (PMID: 30923367). This variant is not present in population databases (gnomAD no frequency). This variant has not been reported in the literature in individuals affected with DEAF1-related conditions. For these reasons, this variant has been classified as Pathogenic.

Literature cited by the submitters: PubMed 30923367.

NM_021008.4(DEAF1):c.755G>A (p.Trp252Ter)

Gene: DEAF1 (DEAF1 transcription factor; minus strand). Cytogenetic location: 11p15.5.
Variant type: single nucleotide variant.
Coding change: c.755G>A on transcript NM_021008.4 (MANE Select); coding-DNA position 755, G replaced by A.
Protein change: p.Trp252Ter; replaces tryptophan 252 with a stop codon.
Molecular consequence: nonsense. On other transcripts: intron variant (1).
Genome position (GRCh38, 1-based): chr11:686,907, C>T on the plus strand (G>A on the coding strand, the complement: DEAF1 is on the minus strand). VCF-style: chr11-686907-C-T. GRCh37 (hg19) VCF-style: chr11-686907-C-T.
Other names: c.29G>A, p.Trp10Ter (NM_001367390.1, NM_001440885.1, NM_001440886.1 and 1 more transcripts); c.755G>A, p.Trp252Ter (NM_001440883.1, NM_001440884.1); c.664+1004G>A (NM_001293634.2); short protein forms W252*, W10*.
Identifiers: ClinVar variation 4719917 (VCV004719917.1).